The following is an entry in ClinVar:

ClinVar aggregate classification (germline): Uncertain significance. Review status: criteria provided, multiple submitters, no conflicts (2 of 4 stars). 4 submissions from 4 submitters: Uncertain significance (3). 1 of the submissions does not count toward it. Last evaluated 2024-01-29.

Conditions:
PKD1-related disorder. Also called: PKD1-related condition.
Inborn genetic diseases. Identifiers: MedGen C0950123, MeSH D030342.

Allele frequency attached by ClinVar (database versions not stated): ExAC 0.00004; gnomAD 0.00005 and 0.00006; TOPMed 0.00005; gnomAD exomes 0.00006 and 0.00010.
gnomAD v4.1: 149 of 1,604,572 alleles (0.0093%); highest among the groups gnomAD compares: Non-Finnish European, 0.012%; no homozygotes.

Submissions (4):

GeneDx
Classification: Uncertain significance. Last evaluated: 2024-01-29. Review status: criteria provided, single submitter. Criteria: GeneDx Variant Classification Process June 2021. Collection method: clinical testing. Allele origin: germline. Affected: yes.
Comment: In silico analysis supports that this missense variant does not alter protein structure/function; Has not been previously published as pathogenic or benign to our knowledge

Ambry Genetics
Classification: Uncertain significance for Inborn genetic diseases. Last evaluated: 2023-09-29. Review status: criteria provided, single submitter. Criteria: Ambry Variant Classification Scheme 2023. Collection method: clinical testing. Allele origin: germline.

Athena Diagnostics
Classification: Uncertain significance. Last evaluated: 2017-03-22. Review status: criteria provided, single submitter. Criteria: Athena Diagnostics Criteria. Collection method: clinical testing. Allele origin: germline.

PreventionGenetics, part of Exact Sciences
Classification: Uncertain significance for PKD1-related condition. Last evaluated: 2024-09-16. Review status: no assertion criteria provided. Collection method: clinical testing. Allele origin: germline. Not counted in ClinVar's aggregate classification.
Comment: The PKD1 c.12803C>T variant is predicted to result in the amino acid substitution p.Pro4268Leu. To our knowledge, this variant has not been reported in the literature. This variant is reported in 0.013% of alleles in individuals of European (Non-Finnish) descent in gnomAD, which is likely too common for an undocumented disease-causing variant. Although we suspect that this variant may be benign, at this time, the clinical significance of this variant is uncertain due to the absence of conclusive functional and genetic evidence.

NM_001009944.3(PKD1):c.12803C>T (p.Pro4268Leu)

Gene: PKD1 (polycystin 1, transient receptor potential channel interacting; minus strand). Cytogenetic location: 16p13.3.
Variant type: single nucleotide variant.
Coding change: c.12803C>T on transcript NM_001009944.3 (MANE Select); coding-DNA position 12803, C replaced by T.
Protein change: p.Pro4268Leu; replaces proline 4268 with leucine.
Molecular consequence: missense variant.
Genome position (GRCh38, 1-based): chr16:2,089,836, G>A on the plus strand (C>T on the coding strand, the complement: PKD1 is on the minus strand). VCF-style: chr16-2089836-G-A. GRCh37 (hg19) VCF-style: chr16-2139837-G-A.
Other names: c.12800C>T, p.Pro4267Leu (NM_000296.4); c.12803C>T (NM_001009944.2); short protein forms P4267L, P4268L.
Identifiers: ClinVar variation 447965 (VCV000447965.3), dbSNP rs767385060, ClinGen allele CA7828461.